The following is an entry in ClinVar:

NM_001379291.1(BRD4):c.117C>T (p.Asn39=)

Gene: BRD4 (bromodomain containing 4; minus strand). Cytogenetic location: 19p13.12.
Variant type: single nucleotide variant.
Coding change: c.117C>T on transcript NM_001379291.1 (MANE Select); coding-DNA position 117, C replaced by T.
Protein change: p.Asn39=; no amino-acid change (asparagine 39 retained).
Molecular consequence: synonymous variant.
Genome position (GRCh38, 1-based): chr19:15,272,983, G>A on the plus strand (C>T on the coding strand, the complement: BRD4 is on the minus strand). VCF-style: chr19-15272983-G-A. GRCh37 (hg19) VCF-style: chr19-15383794-G-A.
Other names: c.117C>T, p.Asn39= (NM_001330384.2, NM_001379292.1, NM_014299.3 and 1 more transcripts).
Identifiers: ClinVar variation 2045797 (VCV002045797.28), dbSNP rs56036027, ClinGen allele CA9265718.

ClinVar aggregate classification (germline): Likely benign. Review status: criteria provided, multiple submitters, no conflicts (2 of 4 stars). 2 submissions from 2 submitters: Likely benign (2). Last evaluated 2026-03-01.

Allele frequency attached by ClinVar (database versions not stated): gnomAD 0.00084; ExAC 0.00096; TOPMed 0.00103; ESP Exome Variant Server 0.00131; gnomAD exomes 0.00185.
gnomAD v4.1: 2,807 of 1,614,210 alleles (0.17%); highest among the groups gnomAD compares: Non-Finnish European, 0.22%; 10 homozygotes.

Submissions (2):

CeGaT Center for Human Genetics Tuebingen
Classification: Likely benign. Last evaluated: 2026-03-01. Review status: criteria provided, single submitter. Criteria: CeGaT Center For Human Genetics Tuebingen Variant Classification Criteria Version 2. Collection method: clinical testing. Allele origin: germline. Affected: yes. Observed: 6 variant alleles.
Comment: BRD4: BP4, BP7

Labcorp Genetics (formerly Invitae), Labcorp
Classification: Likely benign. Last evaluated: 2025-12-03. Review status: criteria provided, single submitter. Criteria: Invitae Variant Classification Sherloc (09022015). Collection method: clinical testing. Allele origin: germline.